The following is an entry in ClinVar:

ClinVar aggregate classification (germline): Benign/Likely benign. Review status: criteria provided, multiple submitters, no conflicts (2 of 4 stars). 5 submissions from 4 submitters: Benign (4); Likely benign (1). Last evaluated 2025-06-04.

Conditions:
Spinocerebellar ataxia, autosomal recessive, with axonal neuropathy 2 (SCAN2). Also called: Ataxia with Oculomotor Apraxia Type 2; ATAXIA-OCULOMOTOR APRAXIA 2; Ataxia-ocular apraxia-2; Ataxia with Oculomotor Apraxia. Identifiers: Orphanet 64753, MedGen C1853761, MONDO:0018996, OMIM 606002.
Amyotrophic lateral sclerosis type 4 (ALS4). Also called: AMYOTROPHIC LATERAL SCLEROSIS 4, JUVENILE; NEURONOPATHY, DISTAL HEREDITARY MOTOR, WITH PYRAMIDAL FEATURES. Identifiers: Orphanet 357043, MedGen C1865409, MONDO:0011223, OMIM 602433.

Allele frequency attached by ClinVar (database versions not stated): gnomAD exomes 0.00013 and 0.00041; ExAC 0.00045; gnomAD 0.00150 and 0.00159; TOPMed 0.00161; 1000 Genomes Project 0.00200; 1000 Genomes Project 30x 0.00203.
gnomAD v4.1: 425 of 1,573,194 alleles (0.027%); highest among the groups gnomAD compares: African/African-American, 0.46%; 2 homozygotes.

Submissions (5):

Labcorp Genetics (formerly Invitae), Labcorp
Classification: Benign for Amyotrophic lateral sclerosis type 4; Spinocerebellar ataxia, autosomal recessive, with axonal neuropathy 2. Last evaluated: 2025-06-04. Review status: criteria provided, single submitter. Criteria: Invitae Variant Classification Sherloc (09022015). Collection method: clinical testing. Allele origin: germline.

Athena Diagnostics
Classification: Benign. Last evaluated: 2025-04-14. Review status: criteria provided, single submitter. Criteria: Athena Diagnostics Criteria. Collection method: clinical testing. Allele origin: unknown.
Comment: The frequency of this variant in the general population is higher than would generally be expected for pathogenic variants in this gene.

Blueprint Genetics
Classification: Likely benign. Last evaluated: 2024-08-06. Review status: criteria provided, single submitter. Criteria: ACMG Guidelines, 2015. Collection method: clinical testing. Allele origin: germline.

Genome-Nilou Lab
Classification: Benign for Spinocerebellar ataxia, autosomal recessive, with axonal neuropathy 2. Last evaluated: 2023-02-08. Review status: criteria provided, single submitter. Criteria: ACMG Guidelines, 2015. Collection method: clinical testing. Allele origin: germline.

Genome-Nilou Lab
Classification: Benign for Amyotrophic lateral sclerosis type 4. Last evaluated: 2023-02-08. Review status: criteria provided, single submitter. Criteria: ACMG Guidelines, 2015. Collection method: clinical testing. Allele origin: germline.

NM_015046.7(SETX):c.5781+10G>A

Gene: SETX (senataxin; minus strand). Cytogenetic location: 9q34.13.
Variant type: single nucleotide variant.
Coding change: c.5781+10G>A on transcript NM_015046.7 (MANE Select); 10 bases into the intron after coding-DNA position 5781, G replaced by A.
Molecular consequence: intron variant.
Genome position (GRCh38, 1-based): chr9:132,298,070, C>T on the plus strand (G>A on the coding strand, the complement: SETX is on the minus strand). VCF-style: chr9-132298070-C-T. GRCh37 (hg19) VCF-style: chr9-135173457-C-T.
Other names: c.5781+10G>A (NM_001351528.2, NM_001351527.2).
Identifiers: ClinVar variation 468518 (VCV000468518.15), dbSNP rs537414669, ClinGen allele CA5296903.